The following is an entry in ClinVar:

NM_002972.4(SBF1):c.2101C>G (p.Pro701Ala)

Gene: SBF1 (SET binding factor 1; minus strand). Cytogenetic location: 22q13.33.
Variant type: single nucleotide variant.
Coding change: c.2101C>G on transcript NM_002972.4 (MANE Select); coding-DNA position 2101, C replaced by G.
Protein change: p.Pro701Ala; replaces proline 701 with alanine.
Molecular consequence: missense variant.
Genome position (GRCh38, 1-based): chr22:50,462,585, G>C on the plus strand (C>G on the coding strand, the complement: SBF1 is on the minus strand). VCF-style: chr22-50462585-G-C. GRCh37 (hg19) VCF-style: chr22-50901014-G-C.
Other names: c.2104C>G, p.Pro702Ala (NM_001365819.1, NM_001410794.1); c.2101C>G, p.Pro701Ala (NM_001410795.1, NM_197971.1); short protein forms P702A, P701A.
Identifiers: ClinVar variation 2184717 (VCV002184717.4), dbSNP rs1256557109, ClinGen allele CA412212081.
Genomic context (GRCh38, chr22:50,462,585, plus strand): 5'-CCCCCAGCCCCCAGCCCAGGGAGTCCCTGCGCACCTGGGCGGGGGCCAGGTCCTCCGTGG[G>C]CTCCAGGTAGAGGGCCCGGATGTGAGTCTGCACATCCCCATAGAACATGGCCTCCCAGAA-3'
Protein context (NP_002963.2, residues 691-711): QTHIRALYLE[Pro701Ala]TEDLAPAQEV

ClinVar aggregate classification (germline): Uncertain significance (1 of 4 stars; one submission).

gnomAD v4.1: 2 of 1,612,018 alleles (0.00012%); highest among the groups gnomAD compares: African/African-American, 0.0027%; no homozygotes.

Submission:

Labcorp Genetics (formerly Invitae), Labcorp
Classification: Uncertain significance. Last evaluated: 2022-07-17. Review status: criteria provided, single submitter. Criteria: Invitae Variant Classification Sherloc (09022015). Collection method: clinical testing. Allele origin: germline.
Comment: This sequence change replaces proline, which is neutral and non-polar, with alanine, which is neutral and non-polar, at codon 701 of the SBF1 protein (p.Pro701Ala). This variant is not present in population databases (gnomAD no frequency). This variant has not been reported in the literature in individuals affected with SBF1-related conditions. Algorithms developed to predict the effect of missense changes on protein structure and function output the following: SIFT: "Tolerated"; PolyPhen-2: "Benign"; Align-GVGD: "Class C0". The alanine amino acid residue is found in multiple mammalian species, which suggests that this missense change does not adversely affect protein function. In summary, the available evidence is currently insufficient to determine the role of this variant in disease. Therefore, it has been classified as a Variant of Uncertain Significance.